The following is an entry in ClinVar:

ClinVar aggregate classification (germline): Uncertain significance (1 of 4 stars; one submission).

Conditions:
Cardiovascular phenotype. Identifiers: MedGen CN230736.

Submission:

Ambry Genetics
Classification: Uncertain significance for Cardiovascular phenotype. Last evaluated: 2026-02-15. Review status: criteria provided, single submitter. Criteria: Ambry Variant Classification Scheme 2023. Collection method: clinical testing. Allele origin: germline.
Comment: The p.D372E variant (also known as c.1116C>G), located in coding exon 9 of the LAMP2 gene, results from a C to G substitution at nucleotide position 1116. The aspartic acid at codon 372 is replaced by glutamic acid, an amino acid with highly similar properties. This amino acid position is conserved. In addition, this alteration is predicted to be tolerated by in silico analysis. Based on the available evidence, the clinical significance of this variant remains unclear.

NM_002294.3(LAMP2):c.1116C>G (p.Asp372Glu)

Gene: LAMP2 (lysosome associated membrane protein 2; minus strand). Cytogenetic location: Xq24.
Variant type: single nucleotide variant.
Coding change: c.1116C>G on transcript NM_002294.3 (MANE Select); coding-DNA position 1116, C replaced by G.
Protein change: p.Asp372Glu; replaces aspartic acid 372 with glutamic acid.
Molecular consequence: missense variant. On other transcripts: intron variant (1).
Genome position (GRCh38, 1-based): chrX:120,431,440, G>C on the plus strand (C>G on the coding strand, the complement: LAMP2 is on the minus strand). VCF-style: chrX-120431440-G-C. GRCh37 (hg19) VCF-style: chrX-119565295-G-C.
Other names: c.1094-2814C>G (NM_001122606.1); short protein forms D372E.
Identifiers: ClinVar variation 4824043 (VCV004824043.1).
Genomic context (GRCh38, chrX:120,431,440, plus strand): 5'-CACTAGAATAAGTACTCCTGCCAAGGCAGCTCCCACCGCTATGGGCACAAGGAAGTTGTC[G>C]TCATCTGCACTGCAGTCTTGAGCTAGATGTGGAGAAAGGACAATTGAGAACAGAAACAGT-3'
Protein context (NP_002285.1, residues 362-382): YSTAQDCSAD[Asp372Glu]DNFLVPIAVG